The following is an entry in ClinVar:

NM_130384.3(ATRIP):c.181G>A (p.Glu61Lys)

Genes: ATRIP (ATR interacting protein; plus strand), ATRIP-TREX1 (ATRIP-TREX1 readthrough; plus strand), LOC129936703 (ATAC-STARR-seq lymphoblastoid silent region 14331; plus strand). Cytogenetic location: 3p21.31.
Variant type: single nucleotide variant.
Coding change: c.181G>A on transcript NM_130384.3 (MANE Select); coding-DNA position 181, G replaced by A.
Protein change: p.Glu61Lys; replaces glutamic acid 61 with lysine.
Molecular consequence: missense variant. On other transcripts: non-coding transcript variant (1), intron variant (1).
Genome position (GRCh38, 1-based): chr3:48,447,026, G>A. VCF-style: chr3-48447026-G-A. GRCh37 (hg19) VCF-style: chr3-48488430-G-A.
Other names: c.181G>A, p.Glu61Lys (NM_032166.4); c.-218+227G>A (NM_001271022.2); c.181G>A (NM_130384.1); short protein forms E61K.
Identifiers: ClinVar variation 1898907 (VCV001898907.6), dbSNP rs777683743, ClinGen allele CA2375896.
Genomic context (GRCh38, chr3:48,447,026, plus strand): 5'-GCTGCCCCGGACCCTGACGACCCGTTCGGCGCGCATGGGGACTTCACTGCCGACGACCTG[G>A]AGGAGCTTGACACCCTCGCGTCACAGGCCCTGAGCCAATGTCCGGCCGCGGCTCGGGACG-3'
Protein context (NP_569055.1, residues 51-71): AHGDFTADDL[Glu61Lys]ELDTLASQAL

ClinVar aggregate classification (germline): Uncertain significance. Review status: criteria provided, multiple submitters, no conflicts (2 of 4 stars). 2 submissions from 2 submitters: Uncertain significance (2). Last evaluated 2025-01-02.

Allele frequency attached by ClinVar (database versions not stated): TOPMed 0.00003; ExAC 0.00004.
gnomAD v4.1: 11 of 1,574,762 alleles (0.0007%); highest among the groups gnomAD compares: Admixed American, 0.016%; no homozygotes.

Submissions (2):

Ambry Genetics
Classification: Uncertain significance. Last evaluated: 2025-01-02. Review status: criteria provided, single submitter. Criteria: Ambry Variant Classification Scheme 2023. Collection method: clinical testing. Allele origin: germline.
Comment: The p.E61K variant (also known as c.181G>A), located in coding exon 1 of the ATRIP gene, results from a G to A substitution at nucleotide position 181. The glutamic acid at codon 61 is replaced by lysine, an amino acid with similar properties. This amino acid position is conserved. In addition, the in silico prediction for this alteration is inconclusive. Based on the available evidence, the clinical significance of this variant remains unclear.

Labcorp Genetics (formerly Invitae), Labcorp
Classification: Uncertain significance. Last evaluated: 2023-05-18. Review status: criteria provided, single submitter. Criteria: Invitae Variant Classification Sherloc (09022015). Collection method: clinical testing. Allele origin: germline.
Comment: ClinVar contains an entry for this variant (Variation ID: 1898907). In summary, the available evidence is currently insufficient to determine the role of this variant in disease. Therefore, it has been classified as a Variant of Uncertain Significance. An algorithm developed to predict the effect of missense changes on protein structure and function (PolyPhen-2) suggests that this variant is likely to be disruptive. This variant has not been reported in the literature in individuals affected with ATRIP-related conditions. This variant is present in population databases (rs777683743, gnomAD 0.03%). This sequence change replaces glutamic acid, which is acidic and polar, with lysine, which is basic and polar, at codon 61 of the ATRIP protein (p.Glu61Lys).